The following is an entry in ClinVar:

ClinVar aggregate classification (germline): Uncertain significance. Review status: criteria provided, multiple submitters, no conflicts (2 of 4 stars). 3 submissions from 3 submitters: Uncertain significance (3). Last evaluated 2024-01-09.

Conditions:
Senior-Loken syndrome 6 (SLSN6). Identifiers: Orphanet 3156, MedGen C1857779, MONDO:0012433, OMIM 610189.
Joubert syndrome 5 (JBTS5). Identifiers: Orphanet 2318, MedGen C1857780, MONDO:0012432, OMIM 610188.
Bardet-Biedl syndrome 14 (BBS14). Identifiers: Orphanet 110, MedGen C2673874, MONDO:0014442, OMIM 615991.
Leber congenital amaurosis 10 (LCA10). Identifiers: Orphanet 65, MedGen C1857821, MONDO:0012723, OMIM 611755.
Meckel syndrome, type 4 (MKS4). Also called: MECKEL-GRUBER SYNDROME, TYPE 4. Identifiers: Orphanet 564, MedGen C1970161, MONDO:0012626, OMIM 611134.
Joubert syndrome. Also called: CEREBELLOPARENCHYMAL DISORDER IV; JOUBERT-BOLTSHAUSER SYNDROME; Familial aplasia of the vermis. Identifiers: Orphanet 475, MedGen C5979921, MONDO:0018772.
Nephronophthisis. Also called: Juvenile Nephronophthisis. Identifiers: Orphanet 655, MedGen C0687120, MONDO:0019005, HP:0000090.
Meckel-Gruber syndrome. Also called: DYSENCEPHALIA SPLANCHNOCYSTICA; GRUBER SYNDROME; Dysencephalia splachnocystica. Identifiers: Orphanet 564, MedGen C0265215, MONDO:0018921.

Allele frequency attached by ClinVar (database versions not stated): gnomAD 0.00001.
gnomAD v4.1: 4 of 1,465,588 alleles (0.00027%); highest among the groups gnomAD compares: African/African-American, 0.0045%; no homozygotes.

Submissions (3):

Fulgent Genetics
Classification: Uncertain significance for Joubert syndrome 5; Senior-Loken syndrome 6; Meckel syndrome, type 4; Leber congenital amaurosis 10; Bardet-Biedl syndrome 14. Last evaluated: 2024-01-09. Review status: criteria provided, single submitter. Criteria: ACMG Guidelines, 2015. Collection method: clinical testing. Allele origin: germline.

Labcorp Genetics (formerly Invitae), Labcorp
Classification: Uncertain significance for Joubert syndrome; Meckel-Gruber syndrome; Nephronophthisis. Last evaluated: 2021-08-31. Review status: criteria provided, single submitter. Criteria: Invitae Variant Classification Sherloc (09022015). Collection method: clinical testing. Allele origin: germline.
Comment: This sequence change replaces asparagine with lysine at codon 242 of the CEP290 protein (p.Asn242Lys). The asparagine residue is moderately conserved and there is a moderate physicochemical difference between asparagine and lysine. This variant is not present in population databases (ExAC no frequency). This variant has not been reported in the literature in individuals affected with CEP290-related conditions. Algorithms developed to predict the effect of missense changes on protein structure and function are either unavailable or do not agree on the potential impact of this missense change (SIFT: "Tolerated"; PolyPhen-2: "Possibly Damaging"; Align-GVGD: "Class C0"). In summary, the available evidence is currently insufficient to determine the role of this variant in disease. Therefore, it has been classified as a Variant of Uncertain Significance.

Genetic Services Laboratory, University of Chicago
Classification: Uncertain significance. Last evaluated: 2021-02-12. Review status: criteria provided, single submitter. Criteria: ACMG Guidelines, 2015. Collection method: clinical testing. Allele origin: germline. Affected: no.
Comment: This sequence change does not appear to have been previously described in patients with CEP290-related disorders and has also not been described in the large population databases such as ExAC and gnomAD (dbSNP rs949161264). The p.Asn242Lys change affects a moderately conserved amino acid residue located in a domain of the CEP290 protein that is not known to be functional. In-silico pathogenicity prediction tools (SIFT, PolyPhen2, Align GVGD, REVEL) provide contradictory results for the p.Asn242Lys substitution. Due to these contrasting evidences and the lack of functional studies, the clinical significance of the p.Asn242Lys change remains unknown at this time.

NM_025114.4(CEP290):c.726T>A (p.Asn242Lys)

Gene: CEP290 (centrosomal protein 290; minus strand). Cytogenetic location: 12q21.32.
Variant type: single nucleotide variant.
Coding change: c.726T>A on transcript NM_025114.4 (MANE Select); coding-DNA position 726, T replaced by A.
Protein change: p.Asn242Lys; replaces asparagine 242 with lysine.
Molecular consequence: missense variant.
Genome position (GRCh38, 1-based): chr12:88,129,820, A>T on the plus strand (T>A on the coding strand, the complement: CEP290 is on the minus strand). VCF-style: chr12-88129820-A-T. GRCh37 (hg19) VCF-style: chr12-88523597-A-T.
Other names: short protein forms N242K.
Identifiers: ClinVar variation 1337842 (VCV001337842.10), dbSNP rs949161264, ClinGen allele CA385985629.